The following is an entry in ClinVar:

ClinVar aggregate classification (germline): Pathogenic (1 of 4 stars; one submission).

Submission:

Quest Diagnostics Nichols Institute San Juan Capistrano
Classification: Pathogenic. Last evaluated: 2024-12-24. Review status: criteria provided, single submitter. Criteria: ACMG/ClinGen CNV Guidelines, 2019. Collection method: clinical testing. Allele origin: unknown.
Comment: This 15q26.1qter deletion is expected to cause phenotypic and/or developmental abnormalities associated with the 15q26-qter deletion syndrome (OMIM 612626) (Al Turki 2014, Benbouchta 2021, Carvalheira 2019, Nakamura 2011, O’Riordan 2017, Santos 2020). Similar terminal deletions have been reported in individuals with variable phenotypes (Al Turki 2014, Benbouchta 2021, Chen 2021). In addition, haploinsufficiency of IGF1R specifically is associated with autosomal dominant resistance to insulin-like growth factor I (IGF1RES; OMIM 270540; HGNC:5465, Giabicani 2020), and haploinsufficiency of CHD2 is associated with autosomal dominant developmental and epileptic encephalopathy 94 (OMIM 615369; HGNC:1917). Thus, this copy number variant (CNV) is classified as pathogenic. References: Al Turki et al., Am J Hum Genet. 2014 Apr 3;94(4):574-85. PMID: 24702954 Benbouchta et al., Ital J Pediatr. 2021 Sep 16;47(1):188. PMID: 34530895 Carvalheira et al., J Endocr Soc. 2019 Aug 28;3(11):2107-2113. PMID: 31687637 Chen et al., Mol Genet Genomic Med. 2021 Dec;9(12):e1842. PMID: 34747577 Giabicani et al., J Med Genet. 2020 Mar;57(3):160-168. PMID: 31586944 Nakamura et al., Eur J Med Genet. 2011 May-Jun;54(3):354-6. PMID: 21172461 O’Riordan et al., Eur J Pediatr. 2017 Jan;176(1):137-142. PMID: 27826649 Rehm et al., N Engl J Med. 2015 Jun 4;372(23):2235-42. PMID: 26014595 (CHD2; IGF1R) Santos et al., Eur J Med Genet. 2020 Aug;63(8):103955. PMID: 32473228

GRCh37/hg19 15q26.1-26.3(chr15:90569376-102369410)x1

Genes: ADAMTS17 (ADAM metallopeptidase with thrombospondin type 1 motif 17; minus strand), ALDH1A3 (aldehyde dehydrogenase 1 family member A3; plus strand), ARRDC4 (arrestin domain containing 4; plus strand), ASB7 (ankyrin repeat and SOCS box containing 7; plus strand), BLM (BLM RecQ like helicase; plus strand) and 45 more. Cytogenetic location: 15q26.1-26.3.
Variant type: copy number loss.
Change: copy number 1 (one copy instead of two) of chr15:90,569,376-102,369,410 (11.80 Mb, GRCh37 coordinates, 1-based), cytogenetic band 15q26.1-26.3.
Identifiers: ClinVar variation 4682866 (VCV004682866.1).